The following is an entry in ClinVar:

NM_001303052.2(MYT1L):c.1678C>T (p.His560Tyr)

Gene: MYT1L (myelin transcription factor 1 like; minus strand). Cytogenetic location: 2p25.3.
Variant type: single nucleotide variant.
Coding change: c.1678C>T on transcript NM_001303052.2 (MANE Select); coding-DNA position 1678, C replaced by T.
Protein change: p.His560Tyr; replaces histidine 560 with tyrosine.
Molecular consequence: missense variant.
Genome position (GRCh38, 1-based): chr2:1,912,051, G>A on the plus strand (C>T on the coding strand, the complement: MYT1L is on the minus strand). VCF-style: chr2-1912051-G-A. GRCh37 (hg19) VCF-style: chr2-1915823-G-A.
Other names: c.1678C>T, p.His560Tyr (NM_001329844.2, NM_001329845.1, NM_001329851.3); c.1672C>T, p.His558Tyr (NM_001329846.3, NM_001329847.2, NM_001329848.1 and 3 more transcripts); short protein forms H560Y, H558Y.
Identifiers: ClinVar variation 617493 (VCV000617493.4), dbSNP rs1558371790, ClinGen allele CA345701117.

ClinVar aggregate classification (germline): Likely pathogenic. Review status: criteria provided, single submitter (1 of 4 stars). 2 submissions from 2 submitters: Likely pathogenic (1). 1 of the submissions does not count toward it. Last evaluated 2020-08-03.

Conditions:
Intellectual developmental disorder, autosomal dominant 39. Also called: Intellectual disability, autosomal dominant 39; Mental retardation, autosomal dominant 39. Identifiers: MedGen C4225296, MONDO:0014678, OMIM 616521.
Intellectual disability. Also called: Intellectual developmental disorder; Intellectual functioning disability; intellectual disabilities. Identifiers: MedGen C3714756, MeSH D008607, MONDO:0001071, HP:0001249.

Submissions (2):

Institute of Human Genetics, University of Leipzig Medical Center
Classification: Likely pathogenic for Intellectual disability. Last evaluated: 2020-08-03. Review status: criteria provided, single submitter. Criteria: ACMG Guidelines, 2015. Collection method: clinical testing. Allele origin: de novo. Affected: yes.

OMIM
Classification: Pathogenic for INTELLECTUAL DEVELOPMENTAL DISORDER, AUTOSOMAL DOMINANT 39. Last evaluated: 2024-07-19. Review status: no assertion criteria provided. Collection method: literature only. Allele origin: germline. Not counted in ClinVar's aggregate classification.

Literature cited by the submitters: PubMed 28859103 (cited by OMIM).